The following is an entry in ClinVar:

ClinVar aggregate classification (germline): Uncertain significance (1 of 4 stars; one submission).

Conditions:
Brugada syndrome 5 (BRGDA5). Identifiers: Orphanet 130, Orphanet 871, MedGen C2748541, MONDO:0013015, OMIM 612838.

gnomAD v4.1: 1 of 1,613,402 alleles (0.000062%); highest among the groups gnomAD compares: Admixed American, 0.0017%; no homozygotes.

Submission:

Labcorp Genetics (formerly Invitae), Labcorp
Classification: Uncertain significance for Brugada syndrome 5. Last evaluated: 2024-09-09. Review status: criteria provided, single submitter. Criteria: Invitae Variant Classification Sherloc (09022015). Collection method: clinical testing. Allele origin: germline.
Comment: The SCN1B gene has multiple clinically relevant transcripts. This variant occurs in alternate transcript NM_001037.4, and corresponds to NM_199037.3:c.*5151A>G in the primary transcript. This sequence change replaces glutamine, which is neutral and polar, with arginine, which is basic and polar, at codon 194 of the SCN1B protein (p.Gln194Arg). This variant is present in population databases (no rsID available, gnomAD 0.003%). This variant has not been reported in the literature in individuals affected with SCN1B-related conditions. Experimental studies and prediction algorithms are not available or were not evaluated, and the functional significance of this variant is currently unknown. In summary, the available evidence is currently insufficient to determine the role of this variant in disease. Therefore, it has been classified as a Variant of Uncertain Significance.

NM_001037.5(SCN1B):c.581A>G (p.Gln194Arg)

Gene: SCN1B (sodium voltage-gated channel beta subunit 1; plus strand). Cytogenetic location: 19q13.11.
Variant type: single nucleotide variant.
Coding change: c.581A>G on transcript NM_001037.5 (MANE Select); coding-DNA position 581, A replaced by G.
Protein change: p.Gln194Arg; replaces glutamine 194 with arginine.
Molecular consequence: missense variant.
Genome position (GRCh38, 1-based): chr19:35,039,249, A>G. VCF-style: chr19-35039249-A-G. GRCh37 (hg19) VCF-style: chr19-35530153-A-G.
Other names: c.482A>G, p.Gln161Arg (NM_001321605.2); short protein forms Q194R, Q161R.
Identifiers: ClinVar variation 3723973 (VCV003723973.2).